The following is an entry in ClinVar:

ClinVar aggregate classification (germline): Pathogenic. Review status: criteria provided, single submitter (1 of 4 stars). 2 submissions from 2 submitters: Pathogenic (1). 1 of the submissions does not count toward it. Last evaluated 2024-11-19.

Conditions:
Benign hereditary chorea (BHC). Also called: Benign Hereditary Chorea (BHC); HEREDITARY PROGRESSIVE CHOREA WITHOUT DEMENTIA. Identifiers: Orphanet 1429, MedGen C0393584, MONDO:0021011, OMIM 118700.

Submissions (2):

Labcorp Genetics (formerly Invitae), Labcorp
Classification: Pathogenic. Last evaluated: 2024-11-19. Review status: criteria provided, single submitter. Criteria: Invitae Variant Classification Sherloc (09022015). Collection method: clinical testing. Allele origin: germline.
Comment: This sequence change creates a premature translational stop signal (p.Gln249*) in the NKX2-1 gene. While this is not anticipated to result in nonsense mediated decay, it is expected to disrupt the last 153 amino acid(s) of the NKX2-1 protein. This variant is not present in population databases (gnomAD no frequency). This premature translational stop signal has been observed in individual(s) with benign hereditary chorea (PMID: 16220345). ClinVar contains an entry for this variant (Variation ID: 8980). Experimental studies and prediction algorithms are not available or were not evaluated, and the functional significance of this variant is currently unknown. This variant disrupts a region of the NKX2-1 protein in which other variant(s) (p.Ala306Argfs*133) have been determined to be pathogenic (PMID: 28503612). This suggests that this is a clinically significant region of the protein, and that variants that disrupt it are likely to be disease-causing. For these reasons, this variant has been classified as Pathogenic.

OMIM
Classification: Pathogenic for CHOREA, BENIGN HEREDITARY. Last evaluated: 2005-12-01. Review status: no assertion criteria provided. Collection method: literature only. Allele origin: germline. Not counted in ClinVar's aggregate classification.

Literature cited by the submitters: PubMed 16220345 (cited by Labcorp Genetics (formerly Invitae), Labcorp and OMIM); PubMed 28503612 (cited by Labcorp Genetics (formerly Invitae), Labcorp).

NM_001079668.3(NKX2-1):c.745C>T (p.Gln249Ter)

Genes: NKX2-1 (NK2 homeobox 1; minus strand), SFTA3 (surfactant associated 3; minus strand). Cytogenetic location: 14q13.3.
Variant type: single nucleotide variant.
Coding change: c.745C>T on transcript NM_001079668.3 (MANE Select); coding-DNA position 745, C replaced by T.
Protein change: p.Gln249Ter; replaces glutamine 249 with a stop codon.
Molecular consequence: nonsense.
Genome position (GRCh38, 1-based): chr14:36,517,739, G>A on the plus strand (C>T on the coding strand, the complement: NKX2-1 is on the minus strand). VCF-style: chr14-36517739-G-A. GRCh37 (hg19) VCF-style: chr14-36986944-G-A.
Other names: c.655C>T, p.Gln219Ter (NM_003317.4); short protein forms Q249*, Q219*.
Identifiers: ClinVar variation 8980 (VCV000008980.8), dbSNP rs137852694, ClinGen allele CA254623.
Genomic context (GRCh38, chr14:36,517,739, plus strand): 5'-CGCCCCCGCCGCCGCCGCTGTCCTGCTGCAGTTGCTGCTGCGCCGCCTTGTCCTTGGCCT[G>A]GCGCTTCATTTTGTAGCGGTGGTTCTGGAACCAGATCTTGACCTGCGTGGGCGTCAGGTG-3'